The following is an entry in ClinVar:

ClinVar aggregate classification (germline): Benign/Likely benign. Review status: criteria provided, multiple submitters, no conflicts (2 of 4 stars). 6 submissions from 6 submitters: Benign (2); Likely benign (4). Last evaluated 2026-05-01.

Conditions:
Familial focal epilepsy with variable foci (FPEVF). Identifiers: Orphanet 98820, MedGen C1858477, MONDO:0020310.
Inborn genetic diseases. Identifiers: MedGen C0950123, MeSH D030342.

Allele frequency attached by ClinVar (database versions not stated): gnomAD exomes 0.00015 and 0.00036; ExAC 0.00037; 1000 Genomes Project 0.00120; 1000 Genomes Project 30x 0.00141; ESP Exome Variant Server 0.00144; gnomAD 0.00152 and 0.00162; TOPMed 0.00173.
gnomAD v4.1: 457 of 1,614,044 alleles (0.028%); highest among the groups gnomAD compares: African/African-American, 0.51%; 1 homozygote.

Submissions (6):

CeGaT Center for Human Genetics Tuebingen
Classification: Likely benign. Last evaluated: 2026-05-01. Review status: criteria provided, single submitter. Criteria: CeGaT Center For Human Genetics Tuebingen Variant Classification Criteria Version 2. Collection method: clinical testing. Allele origin: germline. Affected: yes. Observed: 6 variant alleles.
Comment: DEPDC5: BP4, BS1

Labcorp Genetics (formerly Invitae), Labcorp
Classification: Likely benign for Familial focal epilepsy with variable foci. Last evaluated: 2026-01-09. Review status: criteria provided, single submitter. Criteria: Invitae Variant Classification Sherloc (09022015). Collection method: clinical testing. Allele origin: germline.

Blueprint Genetics
Classification: Likely benign. Last evaluated: 2024-06-28. Review status: criteria provided, single submitter. Criteria: ACMG Guidelines, 2015. Collection method: clinical testing. Allele origin: germline.

GeneDx
Classification: Benign. Last evaluated: 2021-03-05. Review status: criteria provided, single submitter. Criteria: GeneDx Variant Classification Process June 2021. Collection method: clinical testing. Allele origin: germline. Affected: yes.

Mayo Clinic Laboratories, Mayo Clinic
Classification: Benign. Last evaluated: 2020-06-08. Review status: criteria provided, single submitter. Criteria: ACMG Guidelines, 2015. Collection method: clinical testing. Allele origin: germline. Observed: 3 variant alleles.

Ambry Genetics
Classification: Likely benign for Inborn genetic diseases. Last evaluated: 2018-09-10. Review status: criteria provided, single submitter. Criteria: Ambry Variant Classification Scheme 2023. Collection method: clinical testing. Allele origin: germline.

NM_001242896.3(DEPDC5):c.1321A>G (p.Thr441Ala)

Gene: DEPDC5 (DEP domain containing 5, GATOR1 subcomplex subunit; plus strand). Cytogenetic location: 22q12.3.
Variant type: single nucleotide variant.
Coding change: c.1321A>G on transcript NM_001242896.3 (MANE Select); coding-DNA position 1321, A replaced by G.
Protein change: p.Thr441Ala; replaces threonine 441 with alanine.
Molecular consequence: missense variant. On other transcripts: non-coding transcript variant (5).
Genome position (GRCh38, 1-based): chr22:31,809,644, A>G. VCF-style: chr22-31809644-A-G. GRCh37 (hg19) VCF-style: chr22-32205630-A-G.
Other names: p.Thr441Ala; c.1321A>G, p.Thr441Ala (NM_001007188.4, NM_001136029.4, NM_001242897.2 and 7 more transcripts); c.1237A>G, p.Thr413Ala (NM_001369901.1, NM_001369902.1); short protein forms T441A, T413A.
Identifiers: ClinVar variation 414467 (VCV000414467.45), dbSNP rs199749859, ClinGen allele CA10196327.